The following is an entry in ClinVar:

ClinVar aggregate classification (germline): Conflicting classifications of pathogenicity. Review status: criteria provided, conflicting classifications (1 of 4 stars). 12 submissions from 8 submitters: Uncertain significance (4); Benign (2); Likely benign (6). Last evaluated 2025-12-16.

Conditions:
Autosomal recessive limb-girdle muscular dystrophy type 2J (LGMDR10). Also called: Limb-girdle muscular dystrophy, type 2J; MUSCULAR DYSTROPHY, LIMB-GIRDLE, AUTOSOMAL RECESSIVE 10. Identifiers: Orphanet 140922, MedGen C1837342, MONDO:0012127, OMIM 608807.
Tibial muscular dystrophy (TMD). Also called: UDD MYOPATHY; Tibial muscular dystrophy, tardive; Udd Distal Myopathy – Tibial Muscular Dystrophy. Identifiers: Orphanet 609, MedGen C1838244, MONDO:0010870, OMIM 600334.
Dilated cardiomyopathy 1G (CMD1G). Identifiers: Orphanet 154, MedGen C1858763, MONDO:0011400, OMIM 604145.
Cardiovascular phenotype. Identifiers: MedGen CN230736.
Early-onset myopathy with fatal cardiomyopathy (CMYO5). Also called: Salih Myopathy; CONGENITAL MYOPATHY 5 WITH CARDIOMYOPATHY. Identifiers: Orphanet 289377, MedGen C2673677, MONDO:0012714, OMIM 611705. Disease mechanism: loss of function.
Myopathy, myofibrillar, 9, with early respiratory failure (MFM9). Also called: MYOPATHY, PROXIMAL, WITH EARLY RESPIRATORY MUSCLE INVOLVEMENT; Hereditary myopathy with early respiratory failure; Myopathy, distal, with early respiratory failure, autosomal dominant; EDSTROM MYOPATHY. Identifiers: Orphanet 178464, Orphanet 34521, MedGen C1863599, MONDO:0011362, OMIM 603689.
TTN-related disorder. Also called: TTN-related disorders; TTN-related condition; TTN-related disease.

Allele frequency attached by ClinVar (database versions not stated): gnomAD 0.00004; TOPMed 0.00005; gnomAD exomes 0.00009 and 0.00014; ExAC 0.00014; ESP Exome Variant Server 0.00016.
gnomAD v4.1: 209 of 1,613,364 alleles (0.013%); highest among the groups gnomAD compares: Non-Finnish European, 0.017%; no homozygotes.

Submissions (12):

Labcorp Genetics (formerly Invitae), Labcorp
Classification: Likely benign for Dilated cardiomyopathy 1G; Autosomal recessive limb-girdle muscular dystrophy type 2J. Last evaluated: 2025-12-16. Review status: criteria provided, single submitter. Criteria: Invitae Variant Classification Sherloc (09022015). Collection method: clinical testing. Allele origin: germline.

PreventionGenetics, part of Exact Sciences
Classification: Likely benign for TTN-related condition. Last evaluated: 2025-07-03. Review status: criteria provided, single submitter. Criteria: ACMG Guidelines, 2015. Collection method: clinical testing. Allele origin: germline.
Comment: This variant is classified as likely benign based on ACMG/AMP sequence variant interpretation guidelines (Richards et al. 2015 PMID: 25741868, with internal and published modifications).

Blueprint Genetics
Classification: Likely benign. Last evaluated: 2024-10-17. Review status: criteria provided, single submitter. Criteria: ACMG Guidelines, 2015. Collection method: clinical testing. Allele origin: germline.

Revvity Omics, Revvity
Classification: Uncertain significance. Last evaluated: 2019-07-11. Review status: criteria provided, single submitter. Criteria: ACMG Guidelines, 2015. Collection method: clinical testing. Allele origin: germline.

Ambry Genetics
Classification: Likely benign for Cardiovascular phenotype. Last evaluated: 2019-05-28. Review status: criteria provided, single submitter. Criteria: Ambry Variant Classification Scheme 2023. Collection method: clinical testing. Allele origin: germline.

Illumina Laboratory Services, Illumina
Classification: Uncertain significance for Early-onset myopathy with fatal cardiomyopathy. Last evaluated: 2018-01-13. Review status: criteria provided, single submitter. Criteria: ICSL Variant Classification Criteria 13 December 2019. Collection method: clinical testing. Allele origin: germline.

Illumina Laboratory Services, Illumina
Classification: Benign for Myopathy, myofibrillar, 9, with early respiratory failure. Last evaluated: 2018-01-13. Review status: criteria provided, single submitter. Criteria: ICSL Variant Classification Criteria 13 December 2019. Collection method: clinical testing. Allele origin: germline.
Comment: This variant was observed in the ICSL laboratory as part of a predisposition screen in an ostensibly healthy population. It had not been previously curated by ICSL or reported in the Human Gene Mutation Database (HGMD: prior to June 1st, 2018), and was therefore a candidate for classification through an automated scoring system. Utilizing variant allele frequency, disease prevalence and penetrance estimates, and inheritance mode, an automated score was calculated to assess if this variant is too frequent to cause the disease. Based on the score and internal cut-off values, a variant classified as benign is not then subjected to further curation. The score for this variant resulted in a classification of benign for this disease.

Illumina Laboratory Services, Illumina
Classification: Uncertain significance for Autosomal recessive limb-girdle muscular dystrophy type 2J. Last evaluated: 2018-01-13. Review status: criteria provided, single submitter. Criteria: ICSL Variant Classification Criteria 13 December 2019. Collection method: clinical testing. Allele origin: germline.

Illumina Laboratory Services, Illumina
Classification: Benign for Tibial muscular dystrophy. Last evaluated: 2018-01-13. Review status: criteria provided, single submitter. Criteria: ICSL Variant Classification Criteria 13 December 2019. Collection method: clinical testing. Allele origin: germline.
Comment: the same text as in the submission from Illumina Laboratory Services, Illumina above.

Illumina Laboratory Services, Illumina
Classification: Uncertain significance for Dilated cardiomyopathy 1G. Last evaluated: 2018-01-13. Review status: criteria provided, single submitter. Criteria: ICSL Variant Classification Criteria 13 December 2019. Collection method: clinical testing. Allele origin: germline.

Laboratory for Molecular Medicine, Mass General Brigham Personalized Medicine
Classification: Likely benign. Last evaluated: 2017-11-21. Review status: criteria provided, single submitter. Criteria: LMM Criteria. Collection method: clinical testing. Allele origin: germline. Observed: 3 variant alleles.
Comment: proposed classification - variant undergoing re-assessment, contact laboratory

GeneDx
Classification: Likely benign. Last evaluated: 2016-11-29. Review status: criteria provided, single submitter. Criteria: GeneDx Variant Classification (06012015). Collection method: clinical testing. Allele origin: germline. Affected: yes.
Comment: This variant is considered likely benign or benign based on one or more of the following criteria: it is a conservative change, it occurs at a poorly conserved position in the protein, it is predicted to be benign by multiple in silico algorithms, and/or has population frequency not consistent with disease.

NM_001267550.2(TTN):c.75969T>C (p.Val25323=)

Genes: TTN (titin; minus strand), TTN-AS1 (TTN antisense RNA 1; plus strand). Cytogenetic location: 2q31.2.
Variant type: single nucleotide variant.
Coding change: c.75969T>C on transcript NM_001267550.2 (MANE Select); coding-DNA position 75969, T replaced by C.
Protein change: p.Val25323=; no amino-acid change (valine 25323 retained).
Molecular consequence: synonymous variant.
Genome position (GRCh38, 1-based): chr2:178,570,163, A>G on the plus strand (T>C on the coding strand, the complement: TTN is on the minus strand). VCF-style: chr2-178570163-A-G. GRCh37 (hg19) VCF-style: chr2-179434890-A-G.
Other names: c.48774T>C, p.Val16258= (NM_003319.4); c.49149T>C, p.Val16383= (NM_133432.3); c.49350T>C, p.Val16450= (NM_133437.4); c.71046T>C, p.Val23682= (NM_001256850.1); c.68265T>C, p.Val22755= (NM_133378.4).
Identifiers: ClinVar variation 332778 (VCV000332778.25), dbSNP rs368759398, ClinGen allele CA1989975.